The following is an entry in ClinVar:

ClinVar aggregate classification (germline): Uncertain significance (1 of 4 stars; one submission).

Conditions:
Cataract 23 (CTRCT23). Also called: CATARACT 23, LAMELLAR; Cataract 23, multiple types. Identifiers: Orphanet 91492, MedGen C3808012, MONDO:0012489, OMIM 610425.

Submission:

Labcorp Genetics (formerly Invitae), Labcorp
Classification: Uncertain significance for Cataract 23. Last evaluated: 2022-11-01. Review status: criteria provided, single submitter. Criteria: Invitae Variant Classification Sherloc (09022015). Collection method: clinical testing. Allele origin: germline.
Comment: In summary, the available evidence is currently insufficient to determine the role of this variant in disease. Therefore, it has been classified as a Variant of Uncertain Significance. Experimental studies and prediction algorithms are not available or were not evaluated, and the functional significance of this variant is currently unknown. This variant has not been reported in the literature in individuals affected with CRYBA4-related conditions. A gross deletion of the genomic region encompassing the full coding sequence of the CRYBA4 gene has been identified. The current clinical and genetic evidence is not sufficient to establish whether loss-of-function variants in CRYBA4 cause disease. The boundaries of this event are unknown as they extend beyond the assayed region for this gene and therefore may encompass additional genes.

NC_000022.10:g.(?_26142492)_(27026451_?)del

Genes: SEZ6L (seizure related 6 homolog like; plus strand), ASPHD2 (aspartate beta-hydroxylase domain containing 2; plus strand), CRYBA4 (crystallin beta A4; plus strand), CRYBB1 (crystallin beta B1; minus strand), HPS4 (HPS4 biogenesis of lysosomal organelles complex 3 subunit 2; minus strand) and 4 more. Cytogenetic location: 22q12.1.
Variant type: Deletion.
Identifiers: ClinVar variation 2424298 (VCV002424298.7).